The following is an entry in ClinVar:

ClinVar aggregate classification (germline): Conflicting classifications of pathogenicity. Review status: criteria provided, conflicting classifications (1 of 4 stars). 5 submissions from 5 submitters: Uncertain significance (4); Likely benign (1). Last evaluated 2025-12-25.

Conditions:
Hereditary cancer-predisposing syndrome. Also called: Neoplastic Syndromes, Hereditary; Hereditary Cancer Syndrome; Tumor predisposition; Hereditary neoplastic syndrome. Identifiers: Orphanet 140162, MedGen C0027672, MeSH D009386, MONDO:0015356.
Familial adenomatous polyposis 2. Also called: COLORECTAL ADENOMATOUS POLYPOSIS, AUTOSOMAL RECESSIVE; ADENOMAS, MULTIPLE COLORECTAL, AUTOSOMAL RECESSIVE; MUTYH-associated polyposis; MUTYH-related attenuated familial adenomatous polyposis; MUTYH Polyposis; Adenomas, multiple colorectal. Identifiers: Orphanet 220460, Orphanet 247798, MedGen C3272841, MONDO:0012041, OMIM 608456.

Allele frequency attached by ClinVar (database versions not stated): TOPMed below 0.00001.

Submissions (5):

Women's Health and Genetics/Laboratory Corporation of America, LabCorp
Classification: Uncertain significance. Last evaluated: 2025-12-25. Review status: criteria provided, single submitter. Criteria: LabCorp Variant Classification Summary - May 2015. Collection method: clinical testing. Allele origin: germline.

Labcorp Genetics (formerly Invitae), Labcorp
Classification: Uncertain significance for Familial adenomatous polyposis 2. Last evaluated: 2025-10-13. Review status: criteria provided, single submitter. Criteria: Invitae Variant Classification Sherloc (09022015). Collection method: clinical testing. Allele origin: germline.
Comment: This sequence change replaces proline, which is neutral and non-polar, with histidine, which is basic and polar, at codon 366 of the MUTYH protein (p.Pro366His). This variant is not present in population databases (gnomAD no frequency). This variant has not been reported in the literature in individuals affected with MUTYH-related conditions. ClinVar contains an entry for this variant (Variation ID: 631019). An algorithm developed to predict the effect of missense changes on protein structure and function (PolyPhen-2) suggests that this variant is likely to be disruptive. In summary, the available evidence is currently insufficient to determine the role of this variant in disease. Therefore, it has been classified as a Variant of Uncertain Significance.

Ambry Genetics
Classification: Likely benign for Hereditary cancer-predisposing syndrome. Last evaluated: 2025-09-09. Review status: criteria provided, single submitter. Criteria: Ambry Variant Classification Scheme 2023. Collection method: clinical testing. Allele origin: germline.

Color Diagnostics, LLC DBA Color Health
Classification: Uncertain significance for Hereditary cancer-predisposing syndrome. Last evaluated: 2024-03-06. Review status: criteria provided, single submitter. Criteria: ACMG Guidelines, 2015. Collection method: clinical testing. Allele origin: germline.
Comment: This missense variant replaces proline with histidine at codon 366 of the MUTYH protein. Computational prediction suggests that this variant may not impact protein structure and function (internally defined REVEL score threshold <= 0.5, PMID: 27666373). To our knowledge, functional studies have not been reported for this variant. This variant has not been reported in individuals affected with MUTYH-related disorders in the literature. This variant has not been identified in the general population by the Genome Aggregation Database (gnomAD). The available evidence is insufficient to determine the role of this variant in disease conclusively. Therefore, this variant is classified as a Variant of Uncertain Significance.

All of Us Research Program, National Institutes of Health
Classification: Uncertain significance for Familial adenomatous polyposis 2. Last evaluated: 2023-06-08. Review status: criteria provided, single submitter. Criteria: ACMG Guidelines, 2015. Collection method: clinical testing. Allele origin: germline. Inheritance: Autosomal recessive inheritance. Observed: 1 variant allele, 1 heterozygote.
Comment: This missense variant replaces proline with histidine at codon 366 of the MUTYH protein. Computational prediction suggests that this variant may not impact protein structure and function (internally defined REVEL score threshold <= 0.5, PMID: 27666373). To our knowledge, functional studies have not been reported for this variant. This variant has not been reported in individuals affected with MUTYH-related disorders in the literature. This variant has not been identified in the general population by the Genome Aggregation Database (gnomAD). The available evidence is insufficient to determine the role of this variant in disease conclusively. Therefore, this variant is classified as a Variant of Uncertain Significance.

This study involves interpretation of variants in research participants for the purpose of population health screening. Participant phenotype was not available at the time of variant classification. Additional details can be found in publication PMID: 35346344, PMCID: PMC8962531

Literature cited by the submitters: PubMed 40738107 (cited by Ambry Genetics).

NM_001048174.2(MUTYH):c.1013C>A (p.Pro338His)

Gene: MUTYH (mutY DNA glycosylase; minus strand). Cytogenetic location: 1p34.1.
Variant type: single nucleotide variant.
Coding change: c.1013C>A on transcript NM_001048174.2 (MANE Select); coding-DNA position 1013, C replaced by A.
Protein change: p.Pro338His; replaces proline 338 with histidine.
Molecular consequence: missense variant. On other transcripts: non-coding transcript variant (2).
Genome position (GRCh38, 1-based): chr1:45,331,750, G>T on the plus strand (C>A on the coding strand, the complement: MUTYH is on the minus strand). VCF-style: chr1-45331750-G-T. GRCh37 (hg19) VCF-style: chr1-45797422-G-T.
Other names: c.1013C>A, p.Pro338His (NM_001048171.2, NM_001048173.2, NM_001293195.2); c.1016C>A, p.Pro339His (NM_001048172.2); c.1097C>A, p.Pro366His (NM_001128425.2); c.1058C>A, p.Pro353His (NM_001293190.2); c.1046C>A, p.Pro349His (NM_001293191.2); c.737C>A, p.Pro246His (NM_001293192.2, NM_001293196.2); c.668C>A, p.Pro223His (NM_001350650.2, NM_001350651.2); c.1088C>A, p.Pro363His (NM_012222.3); short protein forms P366H, P223H, P353H, P246H, P339H, P338H, P349H, P363H.
Identifiers: ClinVar variation 631019 (VCV000631019.17), dbSNP rs1557464361, ClinGen allele CA340133575.